The following is an entry in ClinVar:

ClinVar aggregate classification (germline): Uncertain significance. Review status: criteria provided, multiple submitters, no conflicts (2 of 4 stars). 3 submissions from 3 submitters: Uncertain significance (3). Last evaluated 2023-06-13.

Conditions:
Emery-Dreifuss muscular dystrophy 4, autosomal dominant (EDMD4). Also called: EMERY-DREIFUSS MUSCULAR DYSTROPHY 4 WITH VARIABLE FEATURES. Identifiers: Orphanet 261, MedGen C2751807, MONDO:0013071, OMIM 612998.
Autosomal recessive ataxia, Beauce type. Also called: SYNE1-Related Autosomal Recessive Cerebellar Ataxia; Spinocerebellar ataxia, autosomal recessive 8; ATAXIA, RECESSIVE, OF BEAUCE; SYNE1 Deficiency. Identifiers: Orphanet 88644, MedGen C1853116, MONDO:0012549, OMIM 610743.

Allele frequency attached by ClinVar (database versions not stated): gnomAD 0.00001; TOPMed 0.00001.
gnomAD v4.1: 1 of 1,614,108 alleles (0.000062%); highest among the groups gnomAD compares: Non-Finnish European, 0.000085%; no homozygotes.

Submissions (3):

GeneDx
Classification: Uncertain significance. Last evaluated: 2023-06-13. Review status: criteria provided, single submitter. Criteria: GeneDx Variant Classification Process June 2021. Collection method: clinical testing. Allele origin: germline. Affected: yes.
Comment: Not observed at significant frequency in large population cohorts (gnomAD); In silico analysis supports that this missense variant has a deleterious effect on protein structure/function; Has not been previously published as pathogenic or benign to our knowledge

Athena Diagnostics
Classification: Uncertain significance. Last evaluated: 2022-08-24. Review status: criteria provided, single submitter. Criteria: Athena Diagnostics Criteria. Collection method: clinical testing. Allele origin: unknown.

Labcorp Genetics (formerly Invitae), Labcorp
Classification: Uncertain significance for Emery-Dreifuss muscular dystrophy 4, autosomal dominant; Autosomal recessive ataxia, Beauce type. Last evaluated: 2022-07-06. Review status: criteria provided, single submitter. Criteria: Invitae Variant Classification Sherloc (09022015). Collection method: clinical testing. Allele origin: germline.
Comment: In summary, the available evidence is currently insufficient to determine the role of this variant in disease. Therefore, it has been classified as a Variant of Uncertain Significance. Algorithms developed to predict the effect of missense changes on protein structure and function are either unavailable or do not agree on the potential impact of this missense change (SIFT: "Deleterious"; PolyPhen-2: "Benign"; Align-GVGD: "Class C0"). ClinVar contains an entry for this variant (Variation ID: 1405835). This variant has not been reported in the literature in individuals affected with SYNE1-related conditions. This variant is present in population databases (no rsID available, gnomAD 0.007%). This sequence change replaces cysteine, which is neutral and slightly polar, with glycine, which is neutral and non-polar, at codon 6344 of the SYNE1 protein (p.Cys6344Gly).

NM_182961.4(SYNE1):c.19243T>G (p.Cys6415Gly)

Gene: SYNE1 (spectrin repeat containing nuclear envelope protein 1; minus strand). Cytogenetic location: 6q25.2.
Variant type: single nucleotide variant.
Coding change: c.19243T>G on transcript NM_182961.4 (MANE Select); coding-DNA position 19243, T replaced by G.
Protein change: p.Cys6415Gly; replaces cysteine 6415 with glycine.
Molecular consequence: missense variant.
Genome position (GRCh38, 1-based): chr6:152,255,608, A>C on the plus strand (T>G on the coding strand, the complement: SYNE1 is on the minus strand). VCF-style: chr6-152255608-A-C. GRCh37 (hg19) VCF-style: chr6-152576743-A-C.
Other names: c.19030T>G, p.Cys6344Gly (NM_033071.5); c.19030T>G (NM_033071.3); short protein forms C6344G, C6415G.
Identifiers: ClinVar variation 1405835 (VCV001405835.10), dbSNP rs1398807335, ClinGen allele CA366136756.